The following is an entry in ClinVar:

ClinVar aggregate classification (germline): Uncertain significance (1 of 4 stars; one submission).

Conditions:
Long QT syndrome (LQTS). Identifiers: MedGen C0023976, MeSH D008133, MONDO:0002442. Disease mechanism: loss of function. Inheritance: Various modes of inheritance.

Submission:

Labcorp Genetics (formerly Invitae), Labcorp
Classification: Uncertain significance for Long QT syndrome. Last evaluated: 2025-08-09. Review status: criteria provided, single submitter. Criteria: Invitae Variant Classification Sherloc (09022015). Collection method: clinical testing. Allele origin: germline.
Comment: This sequence change replaces asparagine, which is neutral and polar, with lysine, which is basic and polar, at codon 45 of the KCNH2 protein (p.Asn45Lys). This variant is not present in population databases (gnomAD no frequency). This missense change has been observed in individual(s) with long QT syndrome (PMID: 26669661; internal data). ClinVar contains an entry for this variant (Variation ID: 569898). An algorithm developed to predict the effect of missense changes on protein structure and function (PolyPhen-2) suggests that this variant is likely to be disruptive. In summary, the available evidence is currently insufficient to determine the role of this variant in disease. Therefore, it has been classified as a Variant of Uncertain Significance.

Literature cited by the submitters: PubMed 26669661.

NM_000238.4(KCNH2):c.135C>A (p.Asn45Lys)

Gene: KCNH2 (potassium voltage-gated channel subfamily H member 2; minus strand). Cytogenetic location: 7q36.1.
Variant type: single nucleotide variant.
Coding change: c.135C>A on transcript NM_000238.4 (MANE Select); coding-DNA position 135, C replaced by A.
Protein change: p.Asn45Lys; replaces asparagine 45 with lysine.
Molecular consequence: missense variant.
Genome position (GRCh38, 1-based): chr7:150,974,883, G>T on the plus strand (C>A on the coding strand, the complement: KCNH2 is on the minus strand). VCF-style: chr7-150974883-G-T. GRCh37 (hg19) VCF-style: chr7-150671971-G-T.
Other names: c.-43C>A (NM_001406755.1); c.135C>A, p.Asn45Lys (NM_172056.3); short protein forms N45K.
Identifiers: ClinVar variation 569898 (VCV000569898.10), dbSNP rs1422251865, ClinGen allele CA369865840.